The following is an entry in ClinVar:

NM_016239.4(MYO15A):c.8788+3G>A

Gene: MYO15A (myosin XVA; plus strand). Cytogenetic location: 17p11.2.
Variant type: single nucleotide variant.
Coding change: c.8788+3G>A on transcript NM_016239.4 (MANE Select); 3 bases into the intron after coding-DNA position 8788, G replaced by A.
Molecular consequence: intron variant.
Genome position (GRCh38, 1-based): chr17:18,157,233, G>A. VCF-style: chr17-18157233-G-A. GRCh37 (hg19) VCF-style: chr17-18060547-G-A.
Identifiers: ClinVar variation 4989833 (VCV004989833.1).

ClinVar aggregate classification (germline): Likely benign (1 of 4 stars; one submission).

Conditions:
MYO15A-related disorder. Also called: MYO15A-related condition.

gnomAD v4.1: 2 of 1,601,406 alleles (0.00012%); highest among the groups gnomAD compares: Admixed American, 0.0017%; no homozygotes.

Submission:

PreventionGenetics, part of Exact Sciences
Classification: Likely benign for MYO15A-related condition. Last evaluated: 2026-03-03. Review status: criteria provided, single submitter. Criteria: ACMG Guidelines, 2015. Collection method: clinical testing. Allele origin: germline.
Comment: This variant is classified as likely benign based on ACMG/AMP sequence variant interpretation guidelines (Richards et al. 2015 PMID: 25741868, with internal and published modifications).